The following is an entry in ClinVar:

ClinVar aggregate classification (germline): Uncertain significance (1 of 4 stars; one submission).

Submission:

Labcorp Genetics (formerly Invitae), Labcorp
Classification: Uncertain significance. Last evaluated: 2025-05-22. Review status: criteria provided, single submitter. Criteria: Invitae Variant Classification Sherloc (09022015). Collection method: clinical testing. Allele origin: germline.
Comment: This sequence change creates a premature translational stop signal (p.Val400Glyfs*69) in the LIPG gene. It is expected to result in an absent or disrupted protein product. This variant is not present in population databases (gnomAD no frequency). This variant has not been reported in the literature in individuals affected with LIPG-related conditions. In summary, the available evidence is currently insufficient to determine the role of this variant in disease. Therefore, it has been classified as a Variant of Uncertain Significance.

NM_006033.4(LIPG):c.1196dup (p.Val400fs)

Gene: LIPG (lipase G, endothelial type; plus strand). Cytogenetic location: 18q21.1.
Variant type: Duplication.
Coding change: c.1196dup on transcript NM_006033.4 (MANE Select); coding-DNA position 1196, one base duplicated (T; older notation c.1196dupT).
Protein change: p.Val400fs; shifts the reading frame from valine 400.
Molecular consequence: frameshift variant.
Genome position (GRCh38, 1-based): chr18:49,583,594, T duplicated. VCF-style (leftmost placement, unchanged base first): chr18-49583593-C-CT. GRCh37 (hg19) VCF-style: chr18-47109963-C-CT.
Other names: c.974dup, p.Val326fs (NM_001308006.2); short protein forms V326fs, V400fs.
Identifiers: ClinVar variation 4719995 (VCV004719995.1).
Genomic context (GRCh38, chr18:49,583,593, plus strand): 5'-ATCAGCTTCTCTCCCACTTGTAGAGTGGAGCGGATCGAGCAGAATGCCACCAACACCTTC[C>CT]TGGTCTACACCGAGGAGGACTTGGGAGACCTCTTGAAGATCCAGCTCACCTGGGAGGGGG-3'